The following is an entry in ClinVar:

NM_001206927.2(DNAH8):c.7335T>C (p.Ala2445=)

Gene: DNAH8 (dynein axonemal heavy chain 8; plus strand). Cytogenetic location: 6p21.2.
Variant type: single nucleotide variant.
Coding change: c.7335T>C on transcript NM_001206927.2 (MANE Select); coding-DNA position 7335, T replaced by C.
Protein change: p.Ala2445=; no amino-acid change (alanine 2445 retained).
Molecular consequence: synonymous variant.
Genome position (GRCh38, 1-based): chr6:38,873,003, T>C. VCF-style: chr6-38873003-T-C. GRCh37 (hg19) VCF-style: chr6-38840779-T-C.
Other names: c.6684T>C, p.Ala2228= (NM_001371.4).
Identifiers: ClinVar variation 454591 (VCV000454591.11), dbSNP rs144391737, ClinGen allele CA3789895.

ClinVar aggregate classification (germline): Likely benign. Review status: criteria provided, single submitter (1 of 4 stars). 2 submissions from 2 submitters: Likely benign (1). 1 of the submissions does not count toward it. Last evaluated 2025-11-10.

Conditions:
DNAH8-related disorder. Also called: DNAH8-related condition.
Primary ciliary dyskinesia. Also called: Ciliary dyskinesia. Identifiers: Orphanet 244, MedGen C0008780, MONDO:0016575, HP:0012265.

Allele frequency attached by ClinVar (database versions not stated): 1000 Genomes Project 0.00020; 1000 Genomes Project 30x 0.00031; ESP Exome Variant Server 0.00038; gnomAD 0.00046 and 0.00050; TOPMed 0.00048; gnomAD exomes 0.00010 and 0.00003; ExAC 0.00012.
gnomAD v4.1: 119 of 1,614,166 alleles (0.0074%); highest among the groups gnomAD compares: African/African-American, 0.14%; no homozygotes.

Submissions (2):

Labcorp Genetics (formerly Invitae), Labcorp
Classification: Likely benign for Primary ciliary dyskinesia. Last evaluated: 2025-11-10. Review status: criteria provided, single submitter. Criteria: Invitae Variant Classification Sherloc (09022015). Collection method: clinical testing. Allele origin: germline.

PreventionGenetics, part of Exact Sciences
Classification: Likely benign for DNAH8-related condition. Last evaluated: 2019-05-08. Review status: no assertion criteria provided. Collection method: clinical testing. Allele origin: germline. Not counted in ClinVar's aggregate classification.
Comment: This variant is classified as likely benign based on ACMG/AMP sequence variant interpretation guidelines (Richards et al. 2015 PMID: 25741868, with internal and published modifications).